The following is an entry in ClinVar:

ClinVar aggregate classification (germline): Uncertain significance (1 of 4 stars; one submission).

Submission:

Labcorp Genetics (formerly Invitae), Labcorp
Classification: Uncertain significance. Last evaluated: 2021-11-01. Review status: criteria provided, single submitter. Criteria: Invitae Variant Classification Sherloc (09022015). Collection method: clinical testing. Allele origin: germline.
Comment: In summary, the available evidence is currently insufficient to determine the role of this variant in disease. Therefore, it has been classified as a Variant of Uncertain Significance. Algorithms developed to predict the effect of missense changes on protein structure and function (SIFT, PolyPhen-2, Align-GVGD) all suggest that this variant is likely to be tolerated. This variant has not been reported in the literature in individuals affected with CACNA1D-related conditions. This variant is not present in population databases (gnomAD no frequency). This sequence change replaces serine, which is neutral and polar, with alanine, which is neutral and non-polar, at codon 1941 of the CACNA1D protein (p.Ser1941Ala).

NM_001128840.3(CACNA1D):c.5761T>G (p.Ser1921Ala)

Gene: CACNA1D (calcium voltage-gated channel subunit alpha1 D; plus strand). Cytogenetic location: 3p21.1.
Variant type: single nucleotide variant.
Coding change: c.5761T>G on transcript NM_001128840.3 (MANE Select); coding-DNA position 5761, T replaced by G.
Protein change: p.Ser1921Ala; replaces serine 1921 with alanine.
Molecular consequence: missense variant.
Genome position (GRCh38, 1-based): chr3:53,808,660, T>G. VCF-style: chr3-53808660-T-G. GRCh37 (hg19) VCF-style: chr3-53842687-T-G.
Other names: c.5821T>G, p.Ser1941Ala (NM_000720.4); c.5689T>G, p.Ser1897Ala (NM_001128839.3); short protein forms S1897A, S1921A, S1941A.
Identifiers: ClinVar variation 1390744 (VCV001390744.6), dbSNP rs2106883897, ClinGen allele CA353255886.